The following is an entry in ClinVar:

ClinVar aggregate classification (germline): Uncertain significance (1 of 4 stars; one submission).

Allele frequency attached by ClinVar (database versions not stated): TOPMed 0.00001.

Submission:

GeneDx
Classification: Uncertain significance. Last evaluated: 2021-06-15. Review status: criteria provided, single submitter. Criteria: GeneDx Variant Classification Process June 2021. Collection method: clinical testing. Allele origin: germline. Affected: yes.
Comment: Not observed at significant frequency in large population cohorts (Lek et al., 2016); In silico analysis supports that this missense variant does not alter protein structure/function; Has not been previously published as pathogenic or benign to our knowledge; This variant is associated with the following publications: (PMID: 27535533, 25942534, 25678562, 23521649)

NM_001130823.3(DNMT1):c.223G>A (p.Glu75Lys)

Gene: DNMT1 (DNA methyltransferase 1; minus strand). Cytogenetic location: 19p13.2.
Variant type: single nucleotide variant.
Coding change: c.223G>A on transcript NM_001130823.3 (MANE Select); coding-DNA position 223, G replaced by A.
Protein change: p.Glu75Lys; replaces glutamic acid 75 with lysine.
Molecular consequence: missense variant. On other transcripts: 5 prime UTR variant (1).
Genome position (GRCh38, 1-based): chr19:10,180,780, C>T on the plus strand (G>A on the coding strand, the complement: DNMT1 is on the minus strand). VCF-style: chr19-10180780-C-T. GRCh37 (hg19) VCF-style: chr19-10291456-C-T.
Other names: c.223G>A, p.Glu75Lys (NM_001318730.2, NM_001379.4); c.-101G>A (NM_001318731.2); short protein forms E75K.
Identifiers: ClinVar variation 1328852 (VCV001328852.2), dbSNP rs1206145138, ClinGen allele CA403946972.
Genomic context (GRCh38, chr19:10,180,780, plus strand): 5'-GACAAGTTACTAGGAGGAGACATTTTTCTAGAGGCTAGGATGCTGAGAACTGACTTACCT[C>T]GGATAATTCTTCTTTACGTAATTTGGTTTCCAAGTCACATAACTGATTCTTTATTTCTGT-3'
Protein context (NP_001124295.1, residues 65-85): ETKLRKEELS[Glu75Lys]EGYLAKVKSL